The following is an entry in ClinVar:

ClinVar aggregate classification (germline): Pathogenic (1 of 4 stars; one submission).

Conditions:
Nemaline myopathy 10 (NEM10). Identifiers: MedGen C4015360, MONDO:0014513, OMIM 616165.

Submission:

Labcorp Genetics (formerly Invitae), Labcorp
Classification: Pathogenic for Nemaline myopathy 10. Last evaluated: 2022-04-04. Review status: criteria provided, single submitter. Criteria: Invitae Variant Classification Sherloc (09022015). Collection method: clinical testing. Allele origin: germline.
Comment: For these reasons, this variant has been classified as Pathogenic. This sequence change creates a premature translational stop signal (p.Thr93Ilefs*10) in the LMOD3 gene. It is expected to result in an absent or disrupted protein product. Loss-of-function variants in LMOD3 are known to be pathogenic (PMID: 25250574). This variant is present in population databases (no rsID available, gnomAD 0.01%). This variant has not been reported in the literature in individuals affected with LMOD3-related conditions.

Literature cited by the submitters: PubMed 25250574.

NM_198271.5(LMOD3):c.278_288del (p.Thr93fs)

Genes: LMOD3 (leiomodin 3; minus strand), LOC126806710 (CDK7 strongly-dependent group 2 enhancer GRCh37_chr3:69170601-69171800; plus strand). Cytogenetic location: 3p14.1.
Variant type: Deletion.
Coding change: c.278_288del on transcript NM_198271.5 (MANE Select); coding-DNA positions 278 to 288, 11 bases deleted (CCTTTGTGAAA).
Protein change: p.Thr93fs; shifts the reading frame from threonine 93.
Molecular consequence: frameshift variant.
Genome position (GRCh38, 1-based): chr3:69,122,099-69,122,109, TTTCACAAAGG deleted on the plus strand (CCTTTGTGAAA on the coding strand, the reverse complement: LMOD3 is on the minus strand); deleting any 11 consecutive bases within chr3:69,122,099-69,122,110 gives the same sequence; the c. name uses the placement nearest the transcript's 3' end. VCF-style (leftmost placement, unchanged base first): chr3-69122098-ATTTCACAAAGG-A. GRCh37 (hg19) VCF-style: chr3-69171249-ATTTCACAAAGG-A.
Other names: c.278_288del, p.Thr93fs (NM_001304418.3); short protein forms T93fs.
Identifiers: ClinVar variation 2176069 (VCV002176069.4), dbSNP rs1268679971, ClinGen allele CA544004925.